The following is an entry in ClinVar:

ClinVar aggregate classification (germline): Conflicting classifications of pathogenicity. Review status: criteria provided, conflicting classifications (1 of 4 stars). 9 submissions from 8 submitters: Uncertain significance (2); Benign (2); Likely benign (5). Last evaluated 2025-12-23.

Conditions:
Familial hypercholesterolemia. Also called: Familial hypercholesterolemias; Familial hypercholesterolaemia. Identifiers: MedGen C0020445, MONDO:0005439.
Hypobetalipoproteinemia. Identifiers: Orphanet 31154, MedGen C0020597, MONDO:0017774.
Hypercholesterolemia, autosomal dominant, 3 (FHCL3). Also called: Familial Hypercholesterolemia, Autosomal Dominant, 3; PCSK9-Related Familial Hypercholesterolemia, Autosomal Dominant; Familial hypercholesterolemia 3. Identifiers: MedGen C1863551, MONDO:0011369, OMIM 603776.
Cardiovascular phenotype. Identifiers: MedGen CN230736.

Allele frequency attached by ClinVar (database versions not stated): gnomAD 0.00031 and 0.00033; TOPMed 0.00033; 1000 Genomes Project 0.00040; 1000 Genomes Project 30x 0.00047; ESP Exome Variant Server 0.00069.
gnomAD v4.1: 80 of 1,614,080 alleles (0.005%); highest among the groups gnomAD compares: African/African-American, 0.087%; no homozygotes.

Submissions (9):

Labcorp Genetics (formerly Invitae), Labcorp
Classification: Benign for Hypercholesterolemia, autosomal dominant, 3. Last evaluated: 2025-12-23. Review status: criteria provided, single submitter. Criteria: Invitae Variant Classification Sherloc (09022015). Collection method: clinical testing. Allele origin: germline.

Women's Health and Genetics/Laboratory Corporation of America, LabCorp
Classification: Benign. Last evaluated: 2025-09-29. Review status: criteria provided, single submitter. Criteria: LabCorp Variant Classification Summary - May 2015. Collection method: clinical testing. Allele origin: germline.

GENinCode PLC
Classification: Likely benign for Familial hypercholesterolemia. Last evaluated: 2024-02-15. Review status: criteria provided, single submitter. Criteria: ACMG Guidelines, 2015. Collection method: clinical testing. Allele origin: germline.
Comment: This is a synonymous (silent) variant that is not predicted by SpliceAI to impact splicing. In addition, it occurs at a nucleotide that is not conserved. Therefore this variant has been classified as Likely Benign (BP4, BP7).

All of Us Research Program, National Institutes of Health
Classification: Likely benign for Hypercholesterolemia, autosomal dominant, 3. Last evaluated: 2023-12-13. Review status: criteria provided, single submitter. Criteria: ACMG Guidelines, 2015. Collection method: clinical testing. Allele origin: germline. Inheritance: Autosomal dominant inheritance. Observed: 12 variant alleles, 12 heterozygotes.
Comment: This study involves interpretation of variants in research participants for the purpose of population health screening. Participant phenotype was not available at the time of variant classification. Additional details can be found in publication PMID: 35346344, PMCID: PMC8962531

Ambry Genetics
Classification: Likely benign for Cardiovascular phenotype. Last evaluated: 2022-08-16. Review status: criteria provided, single submitter. Criteria: Ambry Variant Classification Scheme 2023. Collection method: clinical testing. Allele origin: germline.

GeneDx
Classification: Likely benign. Last evaluated: 2018-07-24. Review status: criteria provided, single submitter. Criteria: GeneDx Variant Classification Process June 2021. Collection method: clinical testing. Allele origin: germline. Affected: yes.
Comment: See Variant Classification Assertion Criteria.

Color Diagnostics, LLC DBA Color Health
Classification: Likely benign for Familial hypercholesterolemias. Last evaluated: 2018-04-08. Review status: criteria provided, single submitter. Criteria: ACMG Guidelines, 2015. Collection method: clinical testing. Allele origin: germline.

Illumina Laboratory Services, Illumina
Classification: Uncertain significance for Hypobetalipoproteinemia. Last evaluated: 2018-01-13. Review status: criteria provided, single submitter. Criteria: ICSL Variant Classification Criteria 13 December 2019. Collection method: clinical testing. Allele origin: germline.

Illumina Laboratory Services, Illumina
Classification: Uncertain significance for Hypercholesterolemia, autosomal dominant, 3. Last evaluated: 2018-01-13. Review status: criteria provided, single submitter. Criteria: ICSL Variant Classification Criteria 13 December 2019. Collection method: clinical testing. Allele origin: germline.

NM_174936.4(PCSK9):c.1944C>T (p.Tyr648=)

Gene: PCSK9 (proprotein convertase subtilisin/kexin type 9; plus strand). Cytogenetic location: 1p32.3.
Variant type: single nucleotide variant.
Coding change: c.1944C>T on transcript NM_174936.4 (MANE Select); coding-DNA position 1944, C replaced by T.
Protein change: p.Tyr648=; no amino-acid change (tyrosine 648 retained).
Molecular consequence: synonymous variant. On other transcripts: non-coding transcript variant (8).
Genome position (GRCh38, 1-based): chr1:55,063,449, C>T. VCF-style: chr1-55063449-C-T. GRCh37 (hg19) VCF-style: chr1-55529122-C-T.
Other names: c.2067C>T, p.Tyr689= (NM_001407240.1); c.1986C>T, p.Tyr662= (NM_001407241.1); c.1947C>T, p.Tyr649= (NM_001407242.1); c.1887C>T, p.Tyr629= (NM_001407243.1); c.1770C>T, p.Tyr590= (NM_001407244.1); c.1752C>T, p.Tyr584= (NM_001407245.1); c.1569C>T, p.Tyr523= (NM_001407246.1); c.1443C>T, p.Tyr481= (NM_001407247.1).
Identifiers: ClinVar variation 630172 (VCV000630172.24), dbSNP rs138178437, ClinGen allele CA039805.